The following is an entry in ClinVar:

NM_053285.2(TEKT1):c.933G>T (p.Lys311Asn)

Gene: TEKT1 (tektin 1; minus strand). Cytogenetic location: 17p13.1.
Variant type: single nucleotide variant.
Coding change: c.933G>T on transcript NM_053285.2 (MANE Select); coding-DNA position 933, G replaced by T.
Protein change: p.Lys311Asn; replaces lysine 311 with asparagine.
Molecular consequence: missense variant.
Genome position (GRCh38, 1-based): chr17:6,800,863, C>A on the plus strand (G>T on the coding strand, the complement: TEKT1 is on the minus strand). VCF-style: chr17-6800863-C-A. GRCh37 (hg19) VCF-style: chr17-6704182-C-A.
Other names: short protein forms K311N.
Identifiers: ClinVar variation 3040798 (VCV003040798.2), dbSNP rs77092590, ClinGen allele CA8332778.
Genomic context (GRCh38, chr17:6,800,863, plus strand): 5'-ATCACGACACAGCTCCACGTTCGGCCGGTGTGTCCTGGTCTCCAAGCGCGTATGAGCCAC[C>A]TTGGCTGGCCCTTCTTGGTCAAGGATGGCCTTTTCAAGAGCTGTAATATTTTTCTCCTGG-3'
Protein context (NP_444515.1, residues 301-321): KAILDQEGPA[Lys311Asn]VAHTRLETRT

ClinVar aggregate classification (germline): Likely benign (0 of 4 stars; one submission).

Conditions:
TEKT1-related disorder. Also called: TEKT1-related condition.

Allele frequency attached by ClinVar (database versions not stated): ESP Exome Variant Server 0.00008; 1000 Genomes Project 30x 0.00375; 1000 Genomes Project 0.00419.
gnomAD v4.1: 1,066 of 1,614,162 alleles (0.066%); highest among the groups gnomAD compares: East Asian, 2.1%; 25 homozygotes.

Submission:

PreventionGenetics, part of Exact Sciences
Classification: Likely benign for TEKT1-related condition. Last evaluated: 2022-03-31. Review status: no assertion criteria provided. Collection method: clinical testing. Allele origin: germline.
Comment: This variant is classified as likely benign based on ACMG/AMP sequence variant interpretation guidelines (Richards et al. 2015 PMID: 25741868, with internal and published modifications).